The following is an entry in ClinVar:

ClinVar aggregate classification (germline): Uncertain significance (1 of 4 stars; one submission).

Conditions:
SEMA4A-related disorder. Also called: SEMA4A-related condition.

Submission:

PreventionGenetics, part of Exact Sciences
Classification: Uncertain significance for SEMA4A-related condition. Last evaluated: 2026-08-14. Review status: criteria provided, single submitter. Criteria: ACMG Guidelines, 2015. Collection method: clinical testing. Allele origin: germline.
Comment: The SEMA4A c.1759G>C variant is predicted to result in the amino acid substitution p.Ala587Pro. To our knowledge, this variant has not been reported in the literature. This variant is reported in 0.0062% of alleles in individuals of African descent in gnomAD. At this time, the clinical significance of this variant is uncertain due to the absence of conclusive functional and genetic evidence.

NM_022367.4(SEMA4A):c.1759G>C (p.Ala587Pro)

Gene: SEMA4A (semaphorin 4A; plus strand). Cytogenetic location: 1q22.
Variant type: single nucleotide variant.
Coding change: c.1759G>C on transcript NM_022367.4 (MANE Select); coding-DNA position 1759, G replaced by C.
Protein change: p.Ala587Pro; replaces alanine 587 with proline.
Molecular consequence: missense variant.
Genome position (GRCh38, 1-based): chr1:156,176,470, G>C. VCF-style: chr1-156176470-G-C. GRCh37 (hg19) VCF-style: chr1-156146261-G-C.
Other names: c.1759G>C, p.Ala587Pro (NM_001193300.2, NM_001193301.2, NM_001370567.1); c.1363G>C, p.Ala455Pro (NM_001193302.2); c.1462G>C, p.Ala488Pro (NM_001370568.1); c.1252G>C, p.Ala418Pro (NM_001370569.1, NM_001370571.1); short protein forms A455P, A488P, A587P, A418P.
Identifiers: ClinVar variation 4991361 (VCV004991361.1).